The following is an entry in ClinVar:

NM_000540.3(RYR1):c.5333C>T (p.Ser1778Leu)

Gene: RYR1 (ryanodine receptor 1; plus strand). Cytogenetic location: 19q13.2.
Variant type: single nucleotide variant.
Coding change: c.5333C>T on transcript NM_000540.3 (MANE Select); coding-DNA position 5333, C replaced by T.
Protein change: p.Ser1778Leu; replaces serine 1778 with leucine.
Molecular consequence: missense variant.
Genome position (GRCh38, 1-based): chr19:38,485,988, C>T. VCF-style: chr19-38485988-C-T. GRCh37 (hg19) VCF-style: chr19-38976628-C-T.
Other names: c.5333C>T, p.Ser1778Leu (NM_001042723.2); short protein forms S1778L.
Identifiers: ClinVar variation 1420549 (VCV001420549.3), dbSNP rs367543055, ClinGen allele CA066890.

ClinVar aggregate classification (germline): Uncertain significance (1 of 4 stars; one submission).

Conditions:
RYR1-related disorder. Also called: RYR1-related condition; RYR1-related disorders. Identifiers: MedGen CN239331.

Allele frequency attached by ClinVar (database versions not stated): gnomAD exomes below 0.00001; ExAC 0.00001.
gnomAD v4.1: 2 of 1,613,582 alleles (0.00012%); highest among the groups gnomAD compares: East Asian, 0.0022%; no homozygotes.

Submission:

Labcorp Genetics (formerly Invitae), Labcorp
Classification: Uncertain significance for RYR1-related disorder. Last evaluated: 2022-07-12. Review status: criteria provided, single submitter. Criteria: Invitae Variant Classification Sherloc (09022015). Collection method: clinical testing. Allele origin: germline.
Comment: This sequence change replaces serine, which is neutral and polar, with leucine, which is neutral and non-polar, at codon 1778 of the RYR1 protein (p.Ser1778Leu). This variant is present in population databases (rs367543055, gnomAD 0.0009%). This variant has not been reported in the literature in individuals affected with RYR1-related conditions. ClinVar contains an entry for this variant (Variation ID: 1420549). Advanced modeling of protein sequence and biophysical properties (such as structural, functional, and spatial information, amino acid conservation, physicochemical variation, residue mobility, and thermodynamic stability) performed at Invitae indicates that this missense variant is not expected to disrupt RYR1 protein function. In summary, the available evidence is currently insufficient to determine the role of this variant in disease. Therefore, it has been classified as a Variant of Uncertain Significance.